The following is an entry in ClinVar:

ClinVar aggregate classification (germline): Uncertain significance (1 of 4 stars; one submission).

Submission:

Dasa
Classification: Uncertain significance. Last evaluated: 2025-12-16. Review status: criteria provided, single submitter. Criteria: DASA Assertion Criteria. Collection method: clinical testing. Allele origin: germline.
Comment: NM_004628.5(XPC):c.2557_2560dup (p.Gly854Glufs*18) is a frameshift variant in XPC predicted to alter the reading frame and introduce a premature termination codon and is predicted to result in an absent or altered protein product. This variant is rare in population databases. The currently available literature and clinical evidence are not sufficient to establish a definitive association between this variant and the reported condition. Therefore, this variant is classified as a variant of uncertain significance.

NM_004628.5(XPC):c.2557_2560dup (p.Gly854fs)

Gene: XPC (XPC complex subunit, DNA damage recognition and repair factor; minus strand). Cytogenetic location: 3p25.1.
Variant type: Duplication.
Coding change: c.2557_2560dup on transcript NM_004628.5 (MANE Select); coding-DNA positions 2557 to 2560, 4 bases duplicated (AAAG; older notation c.2557_2560dupAAAG).
Protein change: p.Gly854fs; shifts the reading frame from glycine 854.
Molecular consequence: frameshift variant. On other transcripts: non-coding transcript variant (2).
Genome position (GRCh38, 1-based): chr3:14,147,334-14,147,337, CTTT duplicated on the plus strand (AAAG on the coding strand, the reverse complement: XPC is on the minus strand). VCF-style (leftmost placement, unchanged base first): chr3-14147333-C-CCTTT. GRCh37 (hg19) VCF-style: chr3-14188833-C-CCTTT.
Other names: c.1978_1981dup, p.Gly661fs (NM_001354726.2); c.2551_2554dup, p.Gly852fs (NM_001354727.2); c.2539_2542dup, p.Gly848fs (NM_001354729.2); c.2311_2314dup, p.Gly772fs (NM_001354730.2); short protein forms G661fs, G772fs, G848fs, G852fs, G854fs.
Identifiers: ClinVar variation 4884070 (VCV004884070.2).
Genomic context (GRCh38, chr3:14,147,333, plus strand): 5'-AAAGAACCTGCACTGACCTTGGGCCCGTAGCGACGCTTCAGCCTCTCCCTGATGAGCAGA[C>CCTTT]CTTTGGCCAGCAACTTCCAGTTCCCTAGAGCCCGCTTCTCCTTTTTCTGCAGGCAAAAAT-3'